The following is an entry in ClinVar:

NM_022436.3(ABCG5):c.1838G>A (p.Cys613Tyr)

Genes: ABCG5 (ATP binding cassette subfamily G member 5; minus strand), DYNC2LI1 (dynein cytoplasmic 2 light intermediate chain 1; plus strand). Cytogenetic location: 2p21.
Variant type: single nucleotide variant.
Coding change: c.1838G>A on transcript NM_022436.3 (MANE Select); coding-DNA position 1838, G replaced by A.
Protein change: p.Cys613Tyr; replaces cysteine 613 with tyrosine.
Molecular consequence: missense variant. On other transcripts: intron variant (2).
Genome position (GRCh38, 1-based): chr2:43,813,234, C>T on the plus strand (G>A on the coding strand, the complement: ABCG5 is on the minus strand). VCF-style: chr2-43813234-C-T. GRCh37 (hg19) VCF-style: chr2-44040373-C-T.
Other names: c.*15+2710C>T (NM_001348913.2, NM_001348912.2); short protein forms C613Y.
Identifiers: ClinVar variation 642703 (VCV000642703.9), dbSNP rs1572735428, ClinGen allele CA346662110.

ClinVar aggregate classification (germline): Uncertain significance (1 of 4 stars; one submission).

Conditions:
Sitosterolemia (STSL). Also called: PHYTOSTEROLEMIA. Identifiers: Orphanet 2882, MedGen C0342907, MONDO:0008863.

Submission:

Labcorp Genetics (formerly Invitae), Labcorp
Classification: Uncertain significance for Sitosterolemia. Last evaluated: 2022-07-12. Review status: criteria provided, single submitter. Criteria: Invitae Variant Classification Sherloc (09022015). Collection method: clinical testing. Allele origin: germline.
Comment: In summary, the available evidence is currently insufficient to determine the role of this variant in disease. Therefore, it has been classified as a Variant of Uncertain Significance. Algorithms developed to predict the effect of missense changes on protein structure and function (SIFT, PolyPhen-2, Align-GVGD) all suggest that this variant is likely to be tolerated. ClinVar contains an entry for this variant (Variation ID: 642703). This variant has not been reported in the literature in individuals affected with ABCG5-related conditions. This variant is not present in population databases (gnomAD no frequency). This sequence change replaces cysteine, which is neutral and slightly polar, with tyrosine, which is neutral and polar, at codon 613 of the ABCG5 protein (p.Cys613Tyr).